The following is an entry in ClinVar:

ClinVar aggregate classification (germline): Conflicting classifications of pathogenicity. Review status: criteria provided, conflicting classifications (1 of 4 stars). 3 submissions from 3 submitters: Uncertain significance (2); Likely benign (1). Last evaluated 2025-12-08.

Conditions:
Hereditary cancer-predisposing syndrome. Also called: Hereditary Cancer Syndrome; Hereditary neoplastic syndrome; Neoplastic Syndromes, Hereditary; Tumor predisposition. Identifiers: Orphanet 140162, MedGen C0027672, MeSH D009386, MONDO:0015356.

Allele frequency attached by ClinVar (database versions not stated): gnomAD exomes below 0.00001; ExAC 0.00001.
gnomAD v4.1: 2 of 1,614,230 alleles (0.00012%); highest among the groups gnomAD compares: Non-Finnish European, 0.00017%; no homozygotes.

Submissions (3):

Labcorp Genetics (formerly Invitae), Labcorp
Classification: Uncertain significance. Last evaluated: 2025-12-08. Review status: criteria provided, single submitter. Criteria: Invitae Variant Classification Sherloc (09022015). Collection method: clinical testing. Allele origin: germline.
Comment: This sequence change replaces lysine, which is basic and polar, with glutamic acid, which is acidic and polar, at codon 879 of the POLE protein (p.Lys879Glu). This variant is present in population databases (rs760333190, gnomAD 0.0009%). This variant has not been reported in the literature in individuals affected with POLE-related conditions. ClinVar contains an entry for this variant (Variation ID: 405838). Invitae Evidence Modeling of protein sequence and biophysical properties (such as structural, functional, and spatial information, amino acid conservation, physicochemical variation, residue mobility, and thermodynamic stability) indicates that this missense variant is not expected to disrupt POLE protein function with a negative predictive value of 80%. In summary, the available evidence is currently insufficient to determine the role of this variant in disease. Therefore, it has been classified as a Variant of Uncertain Significance.

Ambry Genetics
Classification: Likely benign for Hereditary cancer-predisposing syndrome. Last evaluated: 2025-03-25. Review status: criteria provided, single submitter. Criteria: Ambry Variant Classification Scheme 2023. Collection method: clinical testing. Allele origin: germline.

GeneDx
Classification: Uncertain significance. Last evaluated: 2024-02-12. Review status: criteria provided, single submitter. Criteria: GeneDx Variant Classification Process June 2021. Collection method: clinical testing. Allele origin: germline. Affected: yes.
Comment: Not observed at significant frequency in large population cohorts (gnomAD); In silico analysis supports that this missense variant does not alter protein structure/function; Has not been previously published as pathogenic or benign to our knowledge

NM_006231.4(POLE):c.2635A>G (p.Lys879Glu)

Gene: POLE (DNA polymerase epsilon, catalytic subunit; minus strand). Cytogenetic location: 12q24.33.
Variant type: single nucleotide variant.
Coding change: c.2635A>G on transcript NM_006231.4 (MANE Select); coding-DNA position 2635, A replaced by G.
Protein change: p.Lys879Glu; replaces lysine 879 with glutamic acid.
Molecular consequence: missense variant.
Genome position (GRCh38, 1-based): chr12:132,664,075, T>C on the plus strand (A>G on the coding strand, the complement: POLE is on the minus strand). VCF-style: chr12-132664075-T-C. GRCh37 (hg19) VCF-style: chr12-133240661-T-C.
Other names: c.2635A>G (NM_006231.2); short protein forms K879E.
Identifiers: ClinVar variation 405838 (VCV000405838.13), dbSNP rs760333190, ClinGen allele CA6893487.